The following is an entry in ClinVar:

ClinVar aggregate classification (germline): Uncertain significance (1 of 4 stars; one submission).

gnomAD v4.1: 13 of 1,613,950 alleles (0.00081%); highest among the groups gnomAD compares: African/African-American, 0.012%; no homozygotes.

Submission:

GeneDx
Classification: Uncertain significance. Last evaluated: 2024-04-03. Review status: criteria provided, single submitter. Criteria: GeneDx Variant Classification Process June 2021. Collection method: clinical testing. Allele origin: germline. Affected: yes.
Comment: In silico analysis supports that this missense variant has a deleterious effect on protein structure/function; Has not been previously published as pathogenic or benign to our knowledge

NM_016213.5(TRIP4):c.1466G>A (p.Arg489His)

Gene: TRIP4 (thyroid hormone receptor interactor 4; plus strand). Cytogenetic location: 15q22.31.
Variant type: single nucleotide variant.
Coding change: c.1466G>A on transcript NM_016213.5 (MANE Select); coding-DNA position 1466, G replaced by A.
Protein change: p.Arg489His; replaces arginine 489 with histidine.
Molecular consequence: missense variant. On other transcripts: non-coding transcript variant (1).
Genome position (GRCh38, 1-based): chr15:64,424,138, G>A. VCF-style: chr15-64424138-G-A. GRCh37 (hg19) VCF-style: chr15-64716337-G-A.
Other names: c.776G>A, p.Arg259His (NM_001321924.2); short protein forms R259H, R489H.
Identifiers: ClinVar variation 3371552 (VCV003371552.1).